The following is an entry in ClinVar:

ClinVar aggregate classification (germline): Benign. Review status: criteria provided, multiple submitters, no conflicts (2 of 4 stars). 7 submissions from 5 submitters: Benign (7). Last evaluated 2021-07-30.

Conditions:
Ullrich congenital muscular dystrophy 1A. Also called: Ullrich congenital muscular dystrophy 1; Intermediate COL6-RD. Identifiers: Orphanet 75840, MedGen C0410179, MONDO:0009681, OMIM 254090.
Myosclerosis. Also called: MYOPATHY, MYOSCLEROTIC; MYOSCLEROSIS, CONGENITAL, OF LOWENTHAL; Myosclerosis, congenital. Identifiers: Orphanet 289380, MedGen C1850671, MONDO:0009714, OMIM 255600.
Bethlem myopathy 1A. Also called: Bethlem myopathy 1; Bethlem Muscular Dystrophy; MYOPATHY, BENIGN CONGENITAL, WITH CONTRACTURES. Identifiers: Orphanet 610, MedGen CN029274, MONDO:0024530, OMIM 158810.

Allele frequency attached by ClinVar (database versions not stated): TOPMed 0.48198; gnomAD exomes 0.51469 and 0.52875; ESP Exome Variant Server 0.46341; 1000 Genomes Project 0.45148; gnomAD 0.49146 and 0.49217; ExAC 0.53090.
gnomAD v4.1: 818,763 of 1,598,598 alleles (51%); highest among the groups gnomAD compares: Admixed American, 64%; 212,539 homozygotes.

Submissions (7):

Genome-Nilou Lab
Classification: Benign for Myosclerosis. Last evaluated: 2021-07-30. Review status: criteria provided, single submitter. Criteria: ACMG Guidelines, 2015. Collection method: clinical testing. Allele origin: germline. Affected: no.

Genome-Nilou Lab
Classification: Benign for Bethlem myopathy 1A. Last evaluated: 2021-07-30. Review status: criteria provided, single submitter. Criteria: ACMG Guidelines, 2015. Collection method: clinical testing. Allele origin: germline. Affected: no.

Genome-Nilou Lab
Classification: Benign for Ullrich congenital muscular dystrophy 1A. Last evaluated: 2021-07-30. Review status: criteria provided, single submitter. Criteria: ACMG Guidelines, 2015. Collection method: clinical testing. Allele origin: germline. Affected: no.

GeneDx
Classification: Benign. Last evaluated: 2018-06-14. Review status: criteria provided, single submitter. Criteria: GeneDx Variant Classification (06012015). Collection method: clinical testing. Allele origin: germline. Affected: yes.
Comment: This variant is considered likely benign or benign based on one or more of the following criteria: it is a conservative change, it occurs at a poorly conserved position in the protein, it is predicted to be benign by multiple in silico algorithms, and/or has population frequency not consistent with disease.

Eurofins Ntd Llc (ga)
Classification: Benign. Last evaluated: 2012-11-16. Review status: criteria provided, single submitter. Criteria: EGL Classification Definitions 2015. Collection method: clinical testing. Allele origin: germline. Observed: 40 variant alleles, 29 heterozygotes, 11 homozygotes.

Breakthrough Genomics
Classification: Benign. Review status: criteria provided, single submitter. Criteria: ACMG Guidelines, 2015. Collection method: not provided. Allele origin: germline. Inheritance: Autosomal recessive inheritance. Affected: yes.

PreventionGenetics, part of Exact Sciences
Classification: Benign. Review status: criteria provided, single submitter. Criteria: ACMG Guidelines, 2015. Collection method: clinical testing. Allele origin: germline.

NM_001849.4(COL6A2):c.1116+32G>A

Gene: COL6A2 (collagen type VI alpha 2 chain; plus strand). Cytogenetic location: 21q22.3.
Variant type: single nucleotide variant.
Coding change: c.1116+32G>A on transcript NM_001849.4 (MANE Select); 32 bases into the intron after coding-DNA position 1116, G replaced by A.
Molecular consequence: intron variant.
Genome position (GRCh38, 1-based): chr21:46,117,968, G>A. VCF-style: chr21-46117968-G-A. GRCh37 (hg19) VCF-style: chr21-47537882-G-A.
Other names: c.1116+32G>A (NM_058175.3, NM_058174.3).
Identifiers: ClinVar variation 93900 (VCV000093900.9), dbSNP rs7279347, ClinGen allele CA147424.